The following is an entry in ClinVar:

ClinVar aggregate classification (germline): Uncertain significance. Review status: criteria provided, multiple submitters, no conflicts (2 of 4 stars). 3 submissions from 3 submitters: Uncertain significance (3). Last evaluated 2025-09-09.

Conditions:
Upshaw-Schulman syndrome (TTP). Also called: THROMBOTIC THROMBOCYTOPENIC PURPURA, HEREDITARY; Congenital thrombotic thrombocytopenic purpura. Identifiers: Orphanet 93583, MedGen C1268935, MONDO:0010122, OMIM 274150.

Allele frequency attached by ClinVar (database versions not stated): gnomAD 0.00001 and 0.00003; TOPMed 0.00001; gnomAD exomes 0.00002 and 0.00004; ExAC 0.00007; 1000 Genomes Project 30x 0.00031; 1000 Genomes Project 0.00040.
gnomAD v4.1: 34 of 1,611,184 alleles (0.0021%); highest among the groups gnomAD compares: South Asian, 0.0088%; no homozygotes.

Submissions (3):

Mayo Clinic Laboratories, Mayo Clinic
Classification: Uncertain significance. Last evaluated: 2025-09-09. Review status: criteria provided, single submitter. Criteria: ACMG Guidelines, 2015. Collection method: clinical testing. Allele origin: germline. Observed: 2 variant alleles.
Comment: BP4_moderate

Labcorp Genetics (formerly Invitae), Labcorp
Classification: Uncertain significance. Last evaluated: 2022-08-03. Review status: criteria provided, single submitter. Criteria: Invitae Variant Classification Sherloc (09022015). Collection method: clinical testing. Allele origin: germline.
Comment: This sequence change replaces arginine, which is basic and polar, with tryptophan, which is neutral and slightly polar, at codon 1165 of the ADAMTS13 protein (p.Arg1165Trp). This variant is present in population databases (rs587664518, gnomAD 0.02%). This variant has not been reported in the literature in individuals affected with ADAMTS13-related conditions. ClinVar contains an entry for this variant (Variation ID: 1694014). Algorithms developed to predict the effect of missense changes on protein structure and function output the following: SIFT: "Tolerated"; PolyPhen-2: "Benign"; Align-GVGD: "Class C0". The tryptophan amino acid residue is found in multiple mammalian species, which suggests that this missense change does not adversely affect protein function. In summary, the available evidence is currently insufficient to determine the role of this variant in disease. Therefore, it has been classified as a Variant of Uncertain Significance.

Fulgent Genetics
Classification: Uncertain significance for Upshaw-Schulman syndrome. Last evaluated: 2021-09-07. Review status: criteria provided, single submitter. Criteria: ACMG Guidelines, 2015. Collection method: clinical testing. Allele origin: unknown.

NM_139027.6(ADAMTS13):c.3400+93C>T

Gene: ADAMTS13 (ADAM metallopeptidase with thrombospondin type 1 motif 13; plus strand). Cytogenetic location: 9q34.2.
Variant type: single nucleotide variant.
Coding change: c.3400+93C>T on transcript NM_139027.6 (MANE Select); 93 bases into the intron after coding-DNA position 3400, C replaced by T.
Molecular consequence: intron variant. On other transcripts: missense variant (1).
Genome position (GRCh38, 1-based): chr9:133,455,528, C>T. VCF-style: chr9-133455528-C-T. GRCh37 (hg19) VCF-style: chr9-136320650-C-T.
Other names: p.Arg1165Trp; c.3493C>T, p.Arg1165Trp (NM_139025.5); c.3307+93C>T (NM_139026.6); short protein forms R1165W.
Identifiers: ClinVar variation 1694014 (VCV001694014.8), dbSNP rs587664518, ClinGen allele CA200944227.
Genomic context (GRCh38, chr9:133,455,528, plus strand): 5'-GCTGCTCCAGGACGGACCACAGCCACCCCTGCTGGTGCCTCCCTGGAGTGGTCCCAGGCC[C>T]GGGGCCTGCTCTTCTCCCCGGCTCCCCAGCCTCGGCGGCTCCTGCCCGGGCCCCAGGAAA-3'